The following is an entry in ClinVar:

NM_006904.7(PRKDC):c.1730A>C (p.Glu577Ala)

Gene: PRKDC (protein kinase, DNA-activated, catalytic subunit; minus strand). Cytogenetic location: 8q11.21.
Variant type: single nucleotide variant.
Coding change: c.1730A>C on transcript NM_006904.7 (MANE Select); coding-DNA position 1730, A replaced by C.
Protein change: p.Glu577Ala; replaces glutamic acid 577 with alanine.
Molecular consequence: missense variant.
Genome position (GRCh38, 1-based): chr8:47,933,066, T>G on the plus strand (A>C on the coding strand, the complement: PRKDC is on the minus strand). VCF-style: chr8-47933066-T-G. GRCh37 (hg19) VCF-style: chr8-48845626-T-G.
Other names: c.1730A>C, p.Glu577Ala (NM_001081640.2); short protein forms E577A.
Identifiers: ClinVar variation 3225760 (VCV003225760.1), dbSNP rs2090284169, ClinGen allele CA371164986.

ClinVar aggregate classification (germline): Uncertain significance (1 of 4 stars; one submission).

Submission:

Ambry Genetics
Classification: Uncertain significance. Last evaluated: 2024-01-20. Review status: criteria provided, single submitter. Criteria: Ambry Variant Classification Scheme 2023. Collection method: clinical testing. Allele origin: germline.
Comment: The p.E577A variant (also known as c.1730A>C), located in coding exon 16 of the PRKDC gene, results from an A to C substitution at nucleotide position 1730. The glutamic acid at codon 577 is replaced by alanine, an amino acid with dissimilar properties. This amino acid position is conserved. In addition, this alteration is predicted to be tolerated by in silico analysis. Based on the available evidence, the clinical significance of this alteration remains unclear.